The following is an entry in ClinVar:

ClinVar aggregate classification (germline): Uncertain significance (1 of 4 stars; one submission).

Submission:

Labcorp Genetics (formerly Invitae), Labcorp
Classification: Uncertain significance. Last evaluated: 2025-11-13. Review status: criteria provided, single submitter. Criteria: Invitae Variant Classification Sherloc (09022015). Collection method: clinical testing. Allele origin: germline.
Comment: This sequence change replaces serine, which is neutral and polar, with phenylalanine, which is neutral and non-polar, at codon 628 of the COL4A1 protein (p.Ser628Phe). This variant is present in population databases (no rsID available, gnomAD 0.0009%). This variant has not been reported in the literature in individuals affected with COL4A1-related conditions. Invitae Evidence Modeling of protein sequence and biophysical properties (such as structural, functional, and spatial information, amino acid conservation, physicochemical variation, residue mobility, and thermodynamic stability) indicates that this missense variant is not expected to disrupt COL4A1 protein function with a negative predictive value of 95%. In summary, the available evidence is currently insufficient to determine the role of this variant in disease. Therefore, it has been classified as a Variant of Uncertain Significance.

NM_001845.6(COL4A1):c.1883C>T (p.Ser628Phe)

Gene: COL4A1 (collagen type IV alpha 1 chain; minus strand). Cytogenetic location: 13q34.
Variant type: single nucleotide variant.
Coding change: c.1883C>T on transcript NM_001845.6 (MANE Select); coding-DNA position 1883, C replaced by T.
Protein change: p.Ser628Phe; replaces serine 628 with phenylalanine.
Molecular consequence: missense variant.
Genome position (GRCh38, 1-based): chr13:110,186,399, G>A on the plus strand (C>T on the coding strand, the complement: COL4A1 is on the minus strand). VCF-style: chr13-110186399-G-A. GRCh37 (hg19) VCF-style: chr13-110838746-G-A.
Other names: short protein forms S628F.
Identifiers: ClinVar variation 4691221 (VCV004691221.1).
Genomic context (GRCh38, chr13:110,186,399, plus strand): 5'-CTCCGTTTACAACTTCATGCTGCATCACGAGTTTCTCAGGCCTCACCTGGCAGGCCTGGG[G>A]ATCCAGGGCCTCCAGGAAAGCCTGCTTGTCCTTTGTCACCAATGGGACCAGCAGGACCAT-3'
Protein context (NP_001836.3, residues 618-638): GQAGFPGGPG[Ser628Phe]PGLPGPKGEP